The following is an entry in ClinVar:

ClinVar aggregate classification (germline): Uncertain significance (1 of 4 stars; one submission).

Conditions:
Emery-Dreifuss muscular dystrophy 5, autosomal dominant (EDMD5). Also called: EMERY-DREIFUSS MUSCULAR DYSTROPHY 5. Identifiers: Orphanet 261, MedGen C2751805, MONDO:0013072, OMIM 612999.

Submission:

Labcorp Genetics (formerly Invitae), Labcorp
Classification: Uncertain significance for Emery-Dreifuss muscular dystrophy 5, autosomal dominant. Last evaluated: 2024-02-24. Review status: criteria provided, single submitter. Criteria: Invitae Variant Classification Sherloc (09022015). Collection method: clinical testing. Allele origin: germline.
Comment: This sequence change replaces methionine, which is neutral and non-polar, with leucine, which is neutral and non-polar, at codon 4593 of the SYNE2 protein (p.Met4593Leu). This variant is not present in population databases (gnomAD no frequency). This variant has not been reported in the literature in individuals affected with SYNE2-related conditions. ClinVar contains an entry for this variant (Variation ID: 1507335). Algorithms developed to predict the effect of missense changes on protein structure and function output the following: SIFT: "Not Available"; PolyPhen-2: "Benign"; Align-GVGD: "Not Available". The leucine amino acid residue is found in multiple mammalian species, which suggests that this missense change does not adversely affect protein function. In summary, the available evidence is currently insufficient to determine the role of this variant in disease. Therefore, it has been classified as a Variant of Uncertain Significance.

NM_182914.3(SYNE2):c.13777A>T (p.Met4593Leu)

Gene: SYNE2 (spectrin repeat containing nuclear envelope protein 2; plus strand). Cytogenetic location: 14q23.2.
Variant type: single nucleotide variant.
Coding change: c.13777A>T on transcript NM_182914.3 (MANE Select); coding-DNA position 13777, A replaced by T.
Protein change: p.Met4593Leu; replaces methionine 4593 with leucine.
Molecular consequence: missense variant.
Genome position (GRCh38, 1-based): chr14:64,126,667, A>T. VCF-style: chr14-64126667-A-T. GRCh37 (hg19) VCF-style: chr14-64593385-A-T.
Other names: c.13777A>T, p.Met4593Leu (NM_015180.6); short protein forms M4593L.
Identifiers: ClinVar variation 1507335 (VCV001507335.8), dbSNP rs777253540, ClinGen allele CA389971902.